The following is an entry in ClinVar:

ClinVar aggregate classification (germline): Likely benign (1 of 4 stars; one submission).

Conditions:
MYH1-related disorder. Also called: MYH1-related condition.

Submission:

PreventionGenetics, part of Exact Sciences
Classification: Likely benign for MYH1-related condition. Last evaluated: 2025-02-18. Review status: criteria provided, single submitter. Criteria: ACMG Guidelines, 2015. Collection method: clinical testing. Allele origin: germline.
Comment: This variant is classified as likely benign based on ACMG/AMP sequence variant interpretation guidelines (Richards et al. 2015 PMID: 25741868, with internal and published modifications).

NM_005963.4(MYH1):c.2510dup (p.Tyr837Ter)

Genes: MYH1 (myosin heavy chain 1; minus strand), MYHAS (myosin heavy chain gene cluster antisense RNA; plus strand), LOC126862499 (MED14-independent group 3 enhancer GRCh37_chr17:10407979-10409178; plus strand). Cytogenetic location: 17p13.1.
Variant type: Duplication.
Coding change: c.2510dup on transcript NM_005963.4 (MANE Select); coding-DNA position 2510, one base duplicated (A; older notation c.2510dupA).
Protein change: p.Tyr837Ter; replaces tyrosine 837 with a stop codon.
Molecular consequence: nonsense.
Genome position (GRCh38, 1-based): chr17:10,504,991, T duplicated on the plus strand (A on the coding strand, the reverse complement: MYH1 is on the minus strand). VCF-style (leftmost placement, unchanged base first): chr17-10504990-A-AT. GRCh37 (hg19) VCF-style: chr17-10408307-A-AT.
Other names: short protein forms Y837*.
Identifiers: ClinVar variation 4984146 (VCV004984146.1).